The following is an entry in ClinVar:

NM_006415.4(SPTLC1):c.131dup (p.Tyr44Ter)

Gene: SPTLC1 (serine palmitoyltransferase long chain base subunit 1; minus strand). Cytogenetic location: 9q22.31.
Variant type: Duplication.
Coding change: c.131dup on transcript NM_006415.4 (MANE Select); coding-DNA position 131, one base duplicated (A; older notation c.131dupA).
Protein change: p.Tyr44Ter; replaces tyrosine 44 with a stop codon.
Molecular consequence: nonsense. On other transcripts: 5 prime UTR variant (2).
Genome position (GRCh38, 1-based): chr9:92,112,489, T duplicated on the plus strand (A on the coding strand, the reverse complement: SPTLC1 is on the minus strand). VCF-style (leftmost placement, unchanged base first): chr9-92112488-G-GT. GRCh37 (hg19) VCF-style: chr9-94874770-G-GT.
Other names: c.131dup, p.Tyr44Ter (NM_001281303.2, NM_178324.3); c.-369dup (NM_001368272.1); c.-335dup (NM_001368273.1); short protein forms Y44*.
Identifiers: ClinVar variation 843099 (VCV000843099.7), dbSNP rs1836286700, ClinGen allele CA913160857.

ClinVar aggregate classification (germline): Uncertain significance (1 of 4 stars; one submission).

Conditions:
Hereditary sensory and autonomic neuropathy type 1 (HSAN1). Also called: HSAN 1; HSN Type I; Hereditary Sensory Neuropathy Type I. Identifiers: Orphanet 36386, MedGen C0020071, MONDO:0018213.

Submission:

Labcorp Genetics (formerly Invitae), Labcorp
Classification: Uncertain significance for Hereditary sensory and autonomic neuropathy type 1. Last evaluated: 2019-11-27. Review status: criteria provided, single submitter. Criteria: Invitae Variant Classification Sherloc (09022015). Collection method: clinical testing. Allele origin: germline.
Comment: In summary, the available evidence is currently insufficient to determine the role of this variant in disease. Therefore, it has been classified as a Variant of Uncertain Significance. The current clinical and genetic evidence is not sufficient to establish whether loss-of-function variants in SPTLC1 cause disease. This variant has not been reported in the literature in individuals with SPTLC1-related conditions. This variant is not present in population databases (ExAC no frequency). This sequence change creates a premature translational stop signal (p.Tyr44*) in the SPTLC1 gene. It is expected to result in an absent or disrupted protein product.